The following is an entry in ClinVar:

NM_002473.6(MYH9):c.4570G>C (p.Glu1524Gln)

Gene: MYH9 (myosin heavy chain 9; minus strand). Cytogenetic location: 22q12.3.
Variant type: single nucleotide variant.
Coding change: c.4570G>C on transcript NM_002473.6 (MANE Select); coding-DNA position 4570, G replaced by C.
Protein change: p.Glu1524Gln; replaces glutamic acid 1524 with glutamine.
Molecular consequence: missense variant.
Genome position (GRCh38, 1-based): chr22:36,288,927, C>G on the plus strand (G>C on the coding strand, the complement: MYH9 is on the minus strand). VCF-style: chr22-36288927-C-G. GRCh37 (hg19) VCF-style: chr22-36684973-C-G.
Other names: short protein forms E1524Q.
Identifiers: ClinVar variation 3698797 (VCV003698797.3).
Genomic context (GRCh38, chr22:36,288,927, plus strand): 5'-GCTCTTCCAGCTGCGTCTTCATCTCCTCCACCTGCTGCTCTAGGGCCCGCTTGGACTTCT[C>G]CAGCTCGTGGACCTGAGCCCCAGAGAGCCCAAGTCAGGAGCAAAGGGACTGGCAGGTACC-3'
Protein context (NP_002464.1, residues 1514-1534): DDVGKSVHEL[Glu1524Gln]KSKRALEQQV

ClinVar aggregate classification (germline): Uncertain significance. Review status: criteria provided, multiple submitters, no conflicts (2 of 4 stars). 2 submissions from 2 submitters: Uncertain significance (2). Last evaluated 2024-02-22.

Conditions:
Kidney failure. Identifiers: MedGen C0035078, MONDO:0001106.

gnomAD v4.1: 9 of 1,613,824 alleles (0.00056%); highest among the groups gnomAD compares: Non-Finnish European, 0.00076%; no homozygotes.

Submissions (2):

Labcorp Genetics (formerly Invitae), Labcorp
Classification: Uncertain significance. Last evaluated: 2024-02-22. Review status: criteria provided, single submitter. Criteria: Invitae Variant Classification Sherloc (09022015). Collection method: clinical testing. Allele origin: germline.
Comment: This sequence change replaces glutamic acid, which is acidic and polar, with glutamine, which is neutral and polar, at codon 1524 of the MYH9 protein (p.Glu1524Gln). This variant is present in population databases (rs771169790, gnomAD 0.002%). This variant has not been reported in the literature in individuals affected with MYH9-related conditions. Advanced modeling of protein sequence and biophysical properties (such as structural, functional, and spatial information, amino acid conservation, physicochemical variation, residue mobility, and thermodynamic stability) performed at Invitae indicates that this missense variant is not expected to disrupt MYH9 protein function with a negative predictive value of 80%. In summary, the available evidence is currently insufficient to determine the role of this variant in disease. Therefore, it has been classified as a Variant of Uncertain Significance.

Cambridge Genomics Laboratory, East Genomic Laboratory Hub, NHS Genomic Medicine Service
Classification: Uncertain significance for Kidney failure. Last evaluated: 2020-01-14. Review status: criteria provided, single submitter. Criteria: ACGS Best Practice Guidelines for Variant Classification in Rare Disease 2020. Collection method: clinical testing. Allele origin: germline. Affected: yes. Observed: 1 variant allele.